The following is an entry in ClinVar:

NC_000011.9:g.(?_44129263)_(44745049_?)del

Genes: ALX4 (ALX homeobox 4; minus strand), CD82 (CD82 molecule; plus strand), EXT2 (exostosin glycosyltransferase 2; plus strand). Cytogenetic location: 11p11.2.
Variant type: Deletion.
Identifiers: ClinVar variation 3244782 (VCV003244782.1).

ClinVar aggregate classification (germline): Pathogenic (1 of 4 stars; one submission).

Submission:

Labcorp Genetics (formerly Invitae), Labcorp
Classification: Pathogenic. Last evaluated: 2023-05-07. Review status: criteria provided, single submitter. Criteria: Invitae Variant Classification Sherloc (09022015). Collection method: clinical testing. Allele origin: unknown.
Comment: For these reasons, this variant has been classified as Pathogenic. Isolated whole-gene deletions of ALX4 have not been reported in the literature. However, larger copy number events that include this gene have been reported (PMID: 17290930, 24376213, 24780589). A gross deletion of the genomic region encompassing the full coding sequence of the ALX4 gene has been identified. Loss-of-function variants in ALX4 are known to be pathogenic (PMID: 11137991, 24668755, 25963140). The boundaries of this event are unknown as they extend beyond the assayed region for this gene and therefore may encompass additional genes.

Literature cited by the submitters: PubMed 17290930; PubMed 24376213; PubMed 24780589; PubMed 11137991; PubMed 24668755; PubMed 25963140.